The following is an entry in ClinVar:

NM_000535.7(PMS2):c.745G>T (p.Asp249Tyr)

Gene: PMS2 (PMS1 homolog 2, mismatch repair system component; minus strand). Cytogenetic location: 7p22.1.
Variant type: single nucleotide variant.
Coding change: c.745G>T on transcript NM_000535.7 (MANE Select); coding-DNA position 745, G replaced by T.
Protein change: p.Asp249Tyr; replaces aspartic acid 249 with tyrosine.
Molecular consequence: missense variant. On other transcripts: 5 prime UTR variant (2), non-coding transcript variant (1), intron variant (3).
Genome position (GRCh38, 1-based): chr7:5,997,384, C>A on the plus strand (G>T on the coding strand, the complement: PMS2 is on the minus strand). VCF-style: chr7-5997384-C-A. GRCh37 (hg19) VCF-style: chr7-6037015-C-A.
Other names: c.436G>T, p.Asp146Tyr (NM_001406882.1, NM_001322015.2, NM_001406875.1 and 6 more transcripts); c.427G>T, p.Asp143Tyr (NM_001406883.1, NM_001322007.2, NM_001322008.2 and 4 more transcripts); c.577G>T, p.Asp193Tyr (NM_001406884.1, NM_001406874.1); c.409G>T, p.Asp137Tyr (NM_001406885.1); c.340G>T, p.Asp114Tyr (NM_001406887.1, NM_001406888.1, NM_001406889.1 and 19 more transcripts); c.745G>T, p.Asp249Tyr (NM_001322006.2, NM_001322014.2, NM_001406870.1 and 3 more transcripts); c.-189G>T (NM_001322011.2, NM_001322012.2); c.172G>T, p.Asp58Tyr (NM_001322013.2, NM_001406909.1); and 7 more; short protein forms D114Y, D137Y, D143Y, D146Y, D193Y, D213Y, D249Y, D257Y.
Identifiers: ClinVar variation 4862118 (VCV004862118.1).

ClinVar aggregate classification (germline): Uncertain significance (1 of 4 stars; one submission).

Conditions:
Hereditary cancer-predisposing syndrome. Also called: Neoplastic Syndromes, Hereditary; Tumor predisposition; Hereditary Cancer Syndrome; Hereditary neoplastic syndrome. Identifiers: Orphanet 140162, MedGen C0027672, MeSH D009386, MONDO:0015356.

Submission:

Ambry Genetics
Classification: Uncertain significance for Hereditary cancer-predisposing syndrome. Last evaluated: 2026-05-14. Review status: criteria provided, single submitter. Criteria: Ambry Variant Classification Scheme 2023. Collection method: clinical testing. Allele origin: germline.
Comment: The p.D249Y variant (also known as c.745G>T), located in coding exon 7 of the PMS2 gene, results from a G to T substitution at nucleotide position 745. The aspartic acid at codon 249 is replaced by tyrosine, an amino acid with highly dissimilar properties. This amino acid position is conserved. In addition, the in silico prediction for this alteration is inconclusive. Based on the available evidence, the clinical significance of this variant remains unclear.